The following is an entry in ClinVar:

ClinVar aggregate classification (germline): not provided (0 of 4 stars; one submission).

Allele frequency attached by ClinVar (database versions not stated): gnomAD 0.00001.
gnomAD v4.1: 1 of 468,114 alleles (0.00021%); highest among the groups gnomAD compares: Non-Finnish European, 0.00038%; no homozygotes.

Submission:

Human Evolutionary Genetics, Institut Pasteur
No classification provided. Review status: no classification provided. Collection method: not provided. Allele origin: germline.
ClinVar note: Converted during submission from untested to not provided.

NM_134444.5(NLRP4):c.*164T>A

Gene: NLRP4 (NLR family pyrin domain containing 4; plus strand). Cytogenetic location: 19q13.43.
Variant type: single nucleotide variant.
Coding change: c.*164T>A on transcript NM_134444.5 (MANE Select); 164 bases downstream of the stop codon, T replaced by A.
Molecular consequence: 3 prime UTR variant.
Genome position (GRCh38, 1-based): chr19:55,881,751, T>A. VCF-style: chr19-55881751-T-A. GRCh37 (hg19) VCF-style: chr19-56393117-T-A.
Identifiers: ClinVar variation 103213 (VCV000103213.2), dbSNP rs199475755, ClinGen allele CA230267.